The following is an entry in ClinVar:

NM_000038.6(APC):c.422+3986T>G

Gene: APC (APC regulator of WNT signaling pathway; plus strand). Cytogenetic location: 5q22.2.
Variant type: single nucleotide variant.
Coding change: c.422+3986T>G on transcript NM_000038.6 (MANE Select); 3986 bases into the intron after coding-DNA position 422, T replaced by G.
Molecular consequence: intron variant.
Genome position (GRCh38, 1-based): chr5:112,771,376, T>G. VCF-style: chr5-112771376-T-G. GRCh37 (hg19) VCF-style: chr5-112107073-T-G.
Other names: c.422+3986T>G (NM_001354895.2, NM_001127510.3, NM_001354896.2 and 2 more transcripts); c.452+3986T>G (NM_001354897.2, NM_001354902.2, NM_001127511.3); c.347+3986T>G (NM_001354898.2, NM_001354904.2); c.-614+3986T>G (NM_001354906.2); c.245+3986T>G (NM_001354900.2, NM_001354901.2, NM_001354905.2).
Identifiers: ClinVar variation 82416 (VCV000082416.2), dbSNP rs80156934, ClinGen allele CA009106.

ClinVar aggregate classification (germline): other (0 of 4 stars; one submission).

Conditions:
Familial colorectal cancer. Identifiers: MedGen CN280943, MONDO:0023113. Disease mechanism: loss of function.

Submission:

Systems Biology Platform Zhejiang California International NanoSystems Institute
Classification: other for Familial colorectal cancer. Review status: no assertion criteria provided. Collection method: not provided. Allele origin: unknown.
ClinVar note: Converted during submission from cancer to other.